The following is an entry in ClinVar:

NM_002485.5(NBN):c.857A>C (p.Gln286Pro)

Gene: NBN (nibrin; minus strand). Cytogenetic location: 8q21.3.
Variant type: single nucleotide variant.
Coding change: c.857A>C on transcript NM_002485.5 (MANE Select); coding-DNA position 857, A replaced by C.
Protein change: p.Gln286Pro; replaces glutamine 286 with proline.
Molecular consequence: missense variant.
Genome position (GRCh38, 1-based): chr8:89,970,403, T>G on the plus strand (A>C on the coding strand, the complement: NBN is on the minus strand). VCF-style: chr8-89970403-T-G. GRCh37 (hg19) VCF-style: chr8-90982631-T-G.
Other names: c.611A>C, p.Gln204Pro (NM_001024688.3); short protein forms Q204P, Q286P.
Identifiers: ClinVar variation 822576 (VCV000822576.5), dbSNP rs1586086458, ClinGen allele CA371658368.

ClinVar aggregate classification (germline): Uncertain significance (1 of 4 stars; one submission).

Conditions:
Hereditary cancer-predisposing syndrome. Also called: Tumor predisposition; Hereditary Cancer Syndrome; Neoplastic Syndromes, Hereditary; Hereditary neoplastic syndrome. Identifiers: Orphanet 140162, MedGen C0027672, MeSH D009386, MONDO:0015356.

Submission:

Ambry Genetics
Classification: Uncertain significance for Hereditary cancer-predisposing syndrome. Last evaluated: 2024-04-11. Review status: criteria provided, single submitter. Criteria: Ambry Variant Classification Scheme 2023. Collection method: clinical testing. Allele origin: germline.
Comment: The p.Q286P variant (also known as c.857A>C), located in coding exon 7 of the NBN gene, results from an A to C substitution at nucleotide position 857. The glutamine at codon 286 is replaced by proline, an amino acid with similar properties. This amino acid position is well conserved in available vertebrate species. In addition, this alteration is predicted to be tolerated by in silico analysis. Based on the available evidence, the clinical significance of this variant remains unclear.